The following is an entry in ClinVar:

ClinVar aggregate classification (germline): Uncertain significance (1 of 4 stars; one submission).

Submission:

GeneDx
Classification: Uncertain significance. Last evaluated: 2025-08-14. Review status: criteria provided, single submitter. Criteria: GeneDx Variant Classification Process June 2021. Collection method: clinical testing. Allele origin: germline. Affected: yes.
Comment: Not observed at significant frequency in large population cohorts (gnomAD); Missense variant in a gene in which most reported pathogenic variants are truncating/loss of function; Has not been previously published as pathogenic or benign to our knowledge

NM_001267550.2(TTN):c.39645A>T (p.Lys13215Asn)

Gene: TTN (titin; minus strand). Cytogenetic location: 2q31.2.
Variant type: single nucleotide variant.
Coding change: c.39645A>T on transcript NM_001267550.2 (MANE Select); coding-DNA position 39645, A replaced by T.
Protein change: p.Lys13215Asn; replaces lysine 13215 with asparagine.
Molecular consequence: missense variant. On other transcripts: intron variant (3).
Genome position (GRCh38, 1-based): chr2:178,650,815, T>A on the plus strand (A>T on the coding strand, the complement: TTN is on the minus strand). VCF-style: chr2-178650815-T-A. GRCh37 (hg19) VCF-style: chr2-179515542-T-A.
Other names: c.35124A>T, p.Lys11708Asn (NM_001256850.1); c.32343A>T, p.Lys10781Asn (NM_133378.4); c.13283-8498A>T (NM_003319.4); c.13859-8498A>T (NM_133437.4); c.13658-8498A>T (NM_133432.3); short protein forms K10781N, K13215N, K11708N.
Identifiers: ClinVar variation 4795263 (VCV004795263.1).
Genomic context (GRCh38, chr2:178,650,815, plus strand): 5'-TGGGGGAGGAGACTCCGCTCTTTCTGGAACAGGAACAGCTGGTTTCTCTTCCAAGACAGG[T>A]TTCTTTGGCACTTCTGGCACTTTAAAGATATTAATTCATTTTTCTTATGAGTAGTTGAGA-3'
Protein context (NP_001254479.2, residues 13205-13225): PPAKVPEVPK[Lys13215Asn]PVLEEKPAVP